The following is an entry in ClinVar:

NM_001853.4(COL9A3):c.630+1G>T

Gene: COL9A3 (collagen type IX alpha 3 chain; plus strand). Cytogenetic location: 20q13.33.
Variant type: single nucleotide variant.
Coding change: c.630+1G>T on transcript NM_001853.4 (MANE Select); the canonical splice donor site of the intron after coding-DNA position 630, G replaced by T.
Molecular consequence: splice donor variant.
Genome position (GRCh38, 1-based): chr20:62,825,022, G>T. VCF-style: chr20-62825022-G-T. GRCh37 (hg19) VCF-style: chr20-61456374-G-T.
Identifiers: ClinVar variation 2798729 (VCV002798729.3), dbSNP rs896566255, ClinGen allele CA409590982.

ClinVar aggregate classification (germline): Uncertain significance (1 of 4 stars; one submission).

Allele frequency attached by ClinVar (database versions not stated): gnomAD exomes 0.00001.
gnomAD v4.1: 4 of 1,608,420 alleles (0.00025%); highest among the groups gnomAD compares: Non-Finnish European, 0.00034%; no homozygotes.

Submission:

Labcorp Genetics (formerly Invitae), Labcorp
Classification: Uncertain significance. Last evaluated: 2023-08-30. Review status: criteria provided, single submitter. Criteria: Invitae Variant Classification Sherloc (09022015). Collection method: clinical testing. Allele origin: germline.
Comment: Algorithms developed to predict the effect of sequence changes on RNA splicing suggest that this variant may disrupt the consensus splice site. In summary, the available evidence is currently insufficient to determine the role of this variant in disease. Therefore, it has been classified as a Variant of Uncertain Significance. This variant has not been reported in the literature in individuals affected with COL9A3-related conditions. This variant is present in population databases (no rsID available, gnomAD 0.0009%). This sequence change affects a donor splice site in intron 12 of the COL9A3 gene. However, it is currently unclear if variants that occur in this region of the gene cause disease.